The following is an entry in ClinVar:

ClinVar aggregate classification (germline): Uncertain significance (1 of 4 stars; one submission).

Conditions:
Long QT syndrome (LQTS). Identifiers: MedGen C0023976, MeSH D008133, MONDO:0002442. Disease mechanism: loss of function. Inheritance: Various modes of inheritance.

gnomAD v4.1: 3 of 1,613,970 alleles (0.00019%); highest among the groups gnomAD compares: South Asian, 0.0033%; no homozygotes.

Submission:

Labcorp Genetics (formerly Invitae), Labcorp
Classification: Uncertain significance for Long QT syndrome. Last evaluated: 2025-01-26. Review status: criteria provided, single submitter. Criteria: Invitae Variant Classification Sherloc (09022015). Collection method: clinical testing. Allele origin: germline.
Comment: This sequence change replaces glutamic acid, which is acidic and polar, with aspartic acid, which is acidic and polar, at codon 865 of the ANK2 protein (p.Glu865Asp). This variant is not present in population databases (gnomAD no frequency). This variant has not been reported in the literature in individuals affected with ANK2-related conditions. Invitae Evidence Modeling of protein sequence and biophysical properties (such as structural, functional, and spatial information, amino acid conservation, physicochemical variation, residue mobility, and thermodynamic stability) indicates that this missense variant is not expected to disrupt ANK2 protein function with a negative predictive value of 80%. In summary, the available evidence is currently insufficient to determine the role of this variant in disease. Therefore, it has been classified as a Variant of Uncertain Significance.

NM_001148.6(ANK2):c.2595G>C (p.Glu865Asp)

Gene: ANK2 (ankyrin 2; plus strand). Cytogenetic location: 4q26.
Variant type: single nucleotide variant.
Coding change: c.2595G>C on transcript NM_001148.6 (MANE Select); coding-DNA position 2595, G replaced by C.
Protein change: p.Glu865Asp; replaces glutamic acid 865 with aspartic acid.
Molecular consequence: missense variant.
Genome position (GRCh38, 1-based): chr4:113,311,301, G>C. VCF-style: chr4-113311301-G-C. GRCh37 (hg19) VCF-style: chr4-114232457-G-C.
Other names: c.2583G>C, p.Glu861Asp (NM_001386186.2, NM_001386148.2); c.2559G>C, p.Glu853Asp (NM_001386187.2); c.2595G>C, p.Glu865Asp (NM_020977.5, NM_001354225.2, NM_001354228.2 and 6 more transcripts); c.2640G>C, p.Glu880Asp (NM_001386152.1, NM_001354230.2, NM_001354231.2 and 5 more transcripts); c.2508G>C, p.Glu836Asp (NM_001386153.1, NM_001386154.1, NM_001386162.1 and 10 more transcripts); c.2433G>C, p.Glu811Asp (NM_001386156.1, NM_001354257.2, NM_001354253.2 and 1 more transcripts); c.2310G>C, p.Glu770Asp (NM_001386157.1, NM_001354277.2); c.2211G>C, p.Glu737Asp (NM_001386158.1); and 9 more; short protein forms E737D, E74D, E770D, E795D, E799D, E803D, E811D, E832D.
Identifiers: ClinVar variation 3620482 (VCV003620482.2).